The following is an entry in ClinVar:

NM_014915.3(ANKRD26):c.1124A>G (p.Asp375Gly)

Gene: ANKRD26 (ankyrin repeat domain 26; minus strand). Cytogenetic location: 10p12.1.
Variant type: single nucleotide variant.
Coding change: c.1124A>G on transcript NM_014915.3 (MANE Select); coding-DNA position 1124, A replaced by G.
Protein change: p.Asp375Gly; replaces aspartic acid 375 with glycine.
Molecular consequence: missense variant.
Genome position (GRCh38, 1-based): chr10:27,067,240, T>C on the plus strand (A>G on the coding strand, the complement: ANKRD26 is on the minus strand). VCF-style: chr10-27067240-T-C. GRCh37 (hg19) VCF-style: chr10-27356169-T-C.
Other names: c.1124A>G, p.Asp375Gly (NM_001256053.2); short protein forms D375G.
Identifiers: ClinVar variation 4859882 (VCV004859882.1).

ClinVar aggregate classification (germline): Uncertain significance (1 of 4 stars; one submission).

Conditions:
Inborn genetic diseases. Identifiers: MedGen C0950123, MeSH D030342.

gnomAD v4.1: 4 of 1,613,880 alleles (0.00025%); highest among the groups gnomAD compares: Non-Finnish European, 0.00034%; no homozygotes.

Submission:

Ambry Genetics
Classification: Uncertain significance for Inborn genetic diseases. Last evaluated: 2026-05-16. Review status: criteria provided, single submitter. Criteria: Ambry Variant Classification Scheme 2023. Collection method: clinical testing. Allele origin: germline.
Comment: The p.D375G variant (also known as c.1124A>G), located in coding exon 10 of the ANKRD26 gene, results from an A to G substitution at nucleotide position 1124. The aspartic acid at codon 375 is replaced by glycine, an amino acid with similar properties. This amino acid position is conserved. In addition, this alteration is predicted to be tolerated by in silico analysis. Based on the available evidence, the clinical significance of this variant remains unclear.